The following is an entry in ClinVar:

NM_000525.4(KCNJ11):c.852C>A (p.Ile284=)

Gene: KCNJ11 (potassium inwardly rectifying channel subfamily J member 11; minus strand). Cytogenetic location: 11p15.1.
Variant type: single nucleotide variant.
Coding change: c.852C>A on transcript NM_000525.4 (MANE Select); coding-DNA position 852, C replaced by A.
Protein change: p.Ile284=; no amino-acid change (isoleucine 284 retained).
Molecular consequence: synonymous variant.
Genome position (GRCh38, 1-based): chr11:17,387,240, G>T on the plus strand (C>A on the coding strand, the complement: KCNJ11 is on the minus strand). VCF-style: chr11-17387240-G-T. GRCh37 (hg19) VCF-style: chr11-17408787-G-T.
Other names: c.591C>A, p.Ile197= (NM_001166290.2, NM_001377296.1, NM_001377297.1).
Identifiers: ClinVar variation 158686 (VCV000158686.21), dbSNP rs1800854, ClinGen allele CA172348.
Genomic context (GRCh38, chr11:17,387,240, plus strand): 5'-GTAGGAGGTGCGGGCCTGGGTGGTGATGCCCGTGGTTTCCACCACGCCTTCCAGGATGAC[G>T]ATGATCTCGAGGTCCTGGTGGTGGTGCAGGTCGCTGGGTGCCAGGTCGTAGAGTGGGCTG-3'
Protein context (NP_000516.3, residues 274-294): DLHHHQDLEI[Ile284=]VILEGVVETT

ClinVar aggregate classification (germline): Benign/Likely benign. Review status: criteria provided, multiple submitters, no conflicts (2 of 4 stars). 6 submissions from 6 submitters: Benign (3); Likely benign (3). Last evaluated 2026-03-25.

Conditions:
Maturity-onset diabetes of the young type 13. Also called: MODY, TYPE 13. Identifiers: Orphanet 552, MedGen C4225365, MONDO:0014589, OMIM 616329.
Type 2 diabetes mellitus. Also called: Type II diabetes mellitus. Identifiers: MedGen C0011860, MeSH D003924, MONDO:0005148, OMIM 125853, HP:0005978.
Diabetes mellitus, permanent neonatal 2. Also called: KCNJ11-Related Permanent Neonatal Diabetes Mellitus. Identifiers: MedGen C5394296, MONDO:0030087, OMIM 618856.
Diabetes mellitus, transient neonatal, 3 (TNDM3). Identifiers: Orphanet 99886, MedGen C1864623, MONDO:0012522, OMIM 610582. Disease mechanism: loss of function.
Hyperinsulinemic hypoglycemia, familial, 2. Also called: HYPERINSULINEMIC HYPOGLYCEMIA, PERSISTENT; HYPERINSULINISM, NEONATAL. Identifiers: Orphanet 276580, Orphanet 276603, MedGen C2931833, MONDO:0011153, OMIM 601820. Disease mechanism: loss of function.
Inborn genetic diseases. Identifiers: MedGen C0950123, MeSH D030342.

Allele frequency attached by ClinVar (database versions not stated): TOPMed 0.00024; 1000 Genomes Project 30x 0.00031; gnomAD 0.00038; 1000 Genomes Project 0.00040.

Submissions (6):

Women's Health and Genetics/Laboratory Corporation of America, LabCorp
Classification: Likely benign. Last evaluated: 2026-03-25. Review status: criteria provided, single submitter. Criteria: LabCorp Variant Classification Summary - May 2015. Collection method: clinical testing. Allele origin: germline.

Labcorp Genetics (formerly Invitae), Labcorp
Classification: Benign. Last evaluated: 2025-12-23. Review status: criteria provided, single submitter. Criteria: Invitae Variant Classification Sherloc (09022015). Collection method: clinical testing. Allele origin: germline.

Ambry Genetics
Classification: Likely benign for Inborn genetic diseases. Last evaluated: 2025-04-05. Review status: criteria provided, single submitter. Criteria: Ambry Variant Classification Scheme 2023. Collection method: clinical testing. Allele origin: germline.

Fulgent Genetics
Classification: Likely benign for Type 2 diabetes mellitus; Hyperinsulinemic hypoglycemia, familial, 2; Diabetes mellitus, transient neonatal, 3; Maturity-onset diabetes of the young type 13; Diabetes mellitus, permanent neonatal 2. Last evaluated: 2021-10-01. Review status: criteria provided, single submitter. Criteria: ACMG Guidelines, 2015. Collection method: clinical testing. Allele origin: unknown.

Genetic Services Laboratory, University of Chicago
Classification: Benign. Last evaluated: 2013-02-08. Review status: criteria provided, single submitter. Criteria: ACMG Guidelines, 2007. Collection method: clinical testing. Allele origin: germline. Inheritance: Autosomal unknown.

Clinical Genomics, Uppaluri K&H Personalized Medicine Clinic
Classification: Benign for Type 2 diabetes mellitus. Review status: criteria provided, single submitter. Criteria: K&H Uppaluri Personalized Medicine Clinic Variant Classification & Assertion Criteria. Collection method: research. Allele origin: somatic. Inheritance: Autosomal dominant inheritance. Affected: yes.
Comment: Mutations in KCNJ11 gene can cause decreased production and secretion of insulin. This can lead to MODY which may be responsive to oral sulfonylureas. Though rs1800854 prevalence and insilico prediction is seen, its significance with Type II Diabetes association is yet to be ascertained.

Literature cited by the submitters: PubMed 17257281 (cited by Women's Health and Genetics/Laboratory Corporation of America, LabCorp); PubMed 22289434 (cited by Clinical Genomics, Uppaluri K&H Personalized Medicine Clinic).